The following is an entry in ClinVar:

NM_001122752.2(SERPINI1):c.1156+13T>G

Gene: SERPINI1 (serpin family I member 1; plus strand). Cytogenetic location: 3q26.1.
Variant type: single nucleotide variant.
Coding change: c.1156+13T>G on transcript NM_001122752.2 (MANE Select); 13 bases into the intron after coding-DNA position 1156, T replaced by G.
Molecular consequence: intron variant.
Genome position (GRCh38, 1-based): chr3:167,824,575, T>G. VCF-style: chr3-167824575-T-G. GRCh37 (hg19) VCF-style: chr3-167542363-T-G.
Other names: c.1156+13T>G (NM_005025.5).
Identifiers: ClinVar variation 3621893 (VCV003621893.2).

ClinVar aggregate classification (germline): Uncertain significance (1 of 4 stars; one submission).

Conditions:
Familial encephalopathy with neuroserpin inclusion bodies. Also called: ENCEPHALOPATHY, FAMILIAL, WITH COLLINS BODIES. Identifiers: Orphanet 85110, MedGen C1858680, MONDO:0011412, OMIM 604218.

gnomAD v4.1: 8 of 1,579,754 alleles (0.00051%); highest among the groups gnomAD compares: Non-Finnish European, 0.0007%; no homozygotes.

Submission:

Labcorp Genetics (formerly Invitae), Labcorp
Classification: Uncertain significance for Familial encephalopathy with neuroserpin inclusion bodies. Last evaluated: 2024-08-07. Review status: criteria provided, single submitter. Criteria: Invitae Variant Classification Sherloc (09022015). Collection method: clinical testing. Allele origin: germline.
Comment: This sequence change falls in intron 8 of the SERPINI1 gene. It does not directly change the encoded amino acid sequence of the SERPINI1 protein. This variant is not present in population databases (gnomAD no frequency). This variant has not been reported in the literature in individuals affected with SERPINI1-related conditions. Algorithms developed to predict the effect of sequence changes on RNA splicing suggest that this variant may disrupt the consensus splice site. In summary, the available evidence is currently insufficient to determine the role of this variant in disease. Therefore, it has been classified as a Variant of Uncertain Significance.